The following is an entry in ClinVar:

ClinVar aggregate classification (germline): Conflicting classifications of pathogenicity. Review status: criteria provided, conflicting classifications (1 of 4 stars). 3 submissions from 3 submitters: Uncertain significance (1); Benign (2). Last evaluated 2026-01-25.

Conditions:
TG-related disorder. Also called: TG-related condition; TG-related disorders.
Iodotyrosyl coupling defect (TDH3). Also called: HYPOTHYROIDISM, CONGENITAL, DUE TO DYSHORMONOGENESIS, 3; THYROID HORMONOGENESIS, GENETIC DEFECT IN, 3. Identifiers: Orphanet 95716, MedGen C0342194, MONDO:0010135, OMIM 274700.

Allele frequency attached by ClinVar (database versions not stated): gnomAD exomes 0.00028 and 0.00083; ExAC 0.00115; gnomAD 0.00287 and 0.00297; TOPMed 0.00339; ESP Exome Variant Server 0.00469; 1000 Genomes Project 0.00499; 1000 Genomes Project 30x 0.00500.
gnomAD v4.1: 862 of 1,613,278 alleles (0.053%); highest among the groups gnomAD compares: African/African-American, 1%; 3 homozygotes.

Submissions (4):

Labcorp Genetics (formerly Invitae), Labcorp
Classification: Benign. Last evaluated: 2026-01-25. Review status: criteria provided, single submitter. Criteria: Invitae Variant Classification Sherloc (09022015). Collection method: clinical testing. Allele origin: germline.

PreventionGenetics, part of Exact Sciences
Classification: Benign for TG-related condition. Last evaluated: 2024-11-15. Review status: criteria provided, single submitter. Criteria: ACMG Guidelines, 2015. Collection method: clinical testing. Allele origin: germline.
Comment: This variant is classified as benign based on ACMG/AMP sequence variant interpretation guidelines (Richards et al. 2015 PMID: 25741868, with internal and published modifications).

Illumina Laboratory Services, Illumina
Classification: Uncertain significance for Iodotyrosyl coupling defect. Last evaluated: 2018-01-13. Review status: criteria provided, single submitter. Criteria: ICSL Variant Classification Criteria 13 December 2019. Collection method: clinical testing. Allele origin: germline.

Dr. Peter K. Rogan Lab, Western University
No classification provided (evidence only). Condition: Acute myeloid leukemia. Review status: no classification provided. Collection method: in vitro. Allele origin: not applicable. Functional consequence: retained intron. Not counted in ClinVar's aggregate classification.

NM_003235.5(TG):c.6783-3C>T

Gene: TG (thyroglobulin; plus strand). Cytogenetic location: 8q24.22.
Variant type: single nucleotide variant.
Coding change: c.6783-3C>T on transcript NM_003235.5 (MANE Select); 3 bases into the intron before coding-DNA position 6783, C replaced by T.
Molecular consequence: intron variant.
Genome position (GRCh38, 1-based): chr8:133,019,599, C>T. VCF-style: chr8-133019599-C-T. GRCh37 (hg19) VCF-style: chr8-134031844-C-T.
Identifiers: ClinVar variation 732324 (VCV000732324.13), dbSNP rs143075252, ClinGen allele CA4885035.